The following is an entry in ClinVar:

ClinVar aggregate classification (germline): Conflicting classifications of pathogenicity. Review status: criteria provided, conflicting classifications (1 of 4 stars). 2 submissions from 2 submitters: Uncertain significance (1); Likely benign (1). Last evaluated 2026-06-26.

Conditions:
Cardiovascular phenotype. Identifiers: MedGen CN230736.
Duchenne muscular dystrophy (DMD). Also called: Duchenne Muscular Dystrophy (DMD); MUSCULAR DYSTROPHY, PSEUDOHYPERTROPHIC PROGRESSIVE, DUCHENNE TYPE. Identifiers: Orphanet 98896, MedGen C0013264, MONDO:0010679, OMIM 310200.

Submissions (2):

Ambry Genetics
Classification: Likely benign for Cardiovascular phenotype. Last evaluated: 2026-06-26. Review status: criteria provided, single submitter. Criteria: Ambry Variant Classification Scheme 2023. Collection method: clinical testing. Allele origin: germline.

Labcorp Genetics (formerly Invitae), Labcorp
Classification: Uncertain significance for Duchenne muscular dystrophy. Last evaluated: 2016-09-26. Review status: criteria provided, single submitter. Criteria: Invitae Variant Classification Sherloc (09022015). Collection method: clinical testing. Allele origin: germline.
Comment: In summary, this variant is a novel missense change with uncertain impact on protein function. It has been classified as a Variant of Uncertain Significance. Algorithms developed to predict the effect of missense changes on protein structure and function do not agree on the potential impact of this missense change (SIFT: "Deleterious"; PolyPhen-2: "Benign"; Align-GVGD: "Class C0"). This variant is not present in population databases (ExAC no frequency) and has not been reported in the literature in individuals with a DMD-related disease. This sequence change replaces valine with phenylalanine at codon 955 of the DMD protein (p.Val955Phe). The valine residue is weakly conserved and there is a small physicochemical difference between valine and phenylalanine.

NM_004006.3(DMD):c.2863G>T (p.Val955Phe)

Gene: DMD (dystrophin; minus strand). Cytogenetic location: Xp21.1.
Variant type: single nucleotide variant.
Coding change: c.2863G>T on transcript NM_004006.3 (MANE Select); coding-DNA position 2863, G replaced by T.
Protein change: p.Val955Phe; replaces valine 955 with phenylalanine.
Molecular consequence: missense variant.
Genome position (GRCh38, 1-based): chrX:32,472,250, C>A on the plus strand (G>T on the coding strand, the complement: DMD is on the minus strand). VCF-style: chrX-32472250-C-A. GRCh37 (hg19) VCF-style: chrX-32490367-C-A.
Other names: c.2839G>T, p.Val947Phe (NM_000109.4); c.2851G>T, p.Val951Phe (NM_004009.3); c.2494G>T, p.Val832Phe (NM_004010.3); short protein forms V955F, V947F, V832F, V951F.
Identifiers: ClinVar variation 409938 (VCV000409938.10), dbSNP rs1060502657, ClinGen allele CA16616502.